The following is an entry in ClinVar:

NM_024675.4(PALB2):c.591T>A (p.Thr197=)

Gene: PALB2 (partner and localizer of BRCA2; minus strand). Cytogenetic location: 16p12.2.
Variant type: single nucleotide variant.
Coding change: c.591T>A on transcript NM_024675.4 (MANE Select); coding-DNA position 591, T replaced by A.
Protein change: p.Thr197=; no amino-acid change (threonine 197 retained).
Molecular consequence: synonymous variant. On other transcripts: 5 prime UTR variant (8), intron variant (3).
Genome position (GRCh38, 1-based): chr16:23,635,955, A>T on the plus strand (T>A on the coding strand, the complement: PALB2 is on the minus strand). VCF-style: chr16-23635955-A-T. GRCh37 (hg19) VCF-style: chr16-23647276-A-T.
Other names: c.531T>A, p.Thr177= (NM_001407296.1); c.591T>A, p.Thr197= (NM_001407297.1, NM_001407298.1, NM_001407299.1 and 3 more transcripts); c.-295T>A (NM_001407304.1, NM_001407305.1, NM_001407306.1 and 5 more transcripts); c.48+5155T>A (NM_001407314.1); c.-105+5155T>A (NM_001407313.1, NM_001407312.1).
Identifiers: ClinVar variation 1750504 (VCV001750504.6), dbSNP rs773073532, ClinGen allele CA7963776.
Genomic context (GRCh38, chr16:23,635,955, plus strand): 5'-ATTAATTTCTGTAACTGGTTCTGGAGAATCTGGAAGTTCAGATTTAAGACTTAAAAGGTG[A>T]GTTCTTATTTCAGTTACTGGTGATCTAGCAGGATTTTTGCTACTGATTTCTTCCTGTTCC-3'
Protein context (NP_078951.2, residues 187-207): PARSPVTEIR[Thr197=]HLLSLKSELP

ClinVar aggregate classification (germline): Benign/Likely benign. Review status: criteria provided, multiple submitters, no conflicts (2 of 4 stars). 3 submissions from 3 submitters: Benign (1); Likely benign (2). Last evaluated 2025-01-10.

Conditions:
Hereditary cancer-predisposing syndrome. Also called: Hereditary Cancer Syndrome; Hereditary neoplastic syndrome; Neoplastic Syndromes, Hereditary; Tumor predisposition. Identifiers: Orphanet 140162, MedGen C0027672, MeSH D009386, MONDO:0015356.
Familial cancer of breast. Also called: BREAST CANCER, FAMILIAL; hereditary breast carcinoma; Hereditary breast cancer. Identifiers: Orphanet 227535, MedGen C0346153, MONDO:0016419, OMIM 114480. Disease mechanism: loss of function.

Allele frequency attached by ClinVar (database versions not stated): ExAC 0.00001.
gnomAD v4.1: 1 of 1,614,154 alleles (0.000062%); highest among the groups gnomAD compares: East Asian, 0.0022%; no homozygotes.

Submissions (3):

Myriad Genetics, Inc.
Classification: Benign for Familial cancer of breast. Last evaluated: 2025-01-10. Review status: criteria provided, single submitter. Criteria: Myriad Autosomal Dominant, Autosomal Recessive and X-Linked Classification Criteria (2023). Collection method: clinical testing. Allele origin: unknown.
Comment: This variant is considered benign. This variant is a silent/synonymous amino acid change and it is not expected to impact splicing.

Labcorp Genetics (formerly Invitae), Labcorp
Classification: Likely benign for Familial cancer of breast. Last evaluated: 2024-05-18. Review status: criteria provided, single submitter. Criteria: Invitae Variant Classification Sherloc (09022015). Collection method: clinical testing. Allele origin: germline.

Ambry Genetics
Classification: Likely benign for Hereditary cancer-predisposing syndrome. Last evaluated: 2021-02-26. Review status: criteria provided, single submitter. Criteria: Ambry Variant Classification Scheme 2023. Collection method: clinical testing. Allele origin: germline.